The following is an entry in ClinVar:

ClinVar aggregate classification (germline): Uncertain significance (1 of 4 stars; one submission).

Submission:

GeneDx
Classification: Uncertain significance. Last evaluated: 2024-05-02. Review status: criteria provided, single submitter. Criteria: GeneDx Variant Classification Process June 2021. Collection method: clinical testing. Allele origin: germline. Affected: yes.
Comment: Not observed at significant frequency in large population cohorts (gnomAD); In silico analysis supports that this missense variant has a deleterious effect on protein structure/function; Has not been previously published as pathogenic or benign to our knowledge

NM_018897.3(DNAH7):c.3928T>A (p.Cys1310Ser)

Gene: DNAH7 (dynein axonemal heavy chain 7; minus strand). Cytogenetic location: 2q32.3.
Variant type: single nucleotide variant.
Coding change: c.3928T>A on transcript NM_018897.3 (MANE Select); coding-DNA position 3928, T replaced by A.
Protein change: p.Cys1310Ser; replaces cysteine 1310 with serine.
Molecular consequence: missense variant.
Genome position (GRCh38, 1-based): chr2:195,922,095, A>T on the plus strand (T>A on the coding strand, the complement: DNAH7 is on the minus strand). VCF-style: chr2-195922095-A-T. GRCh37 (hg19) VCF-style: chr2-196786819-A-T.
Other names: short protein forms C1310S.
Identifiers: ClinVar variation 3375955 (VCV003375955.1).
Genomic context (GRCh38, chr2:195,922,095, plus strand): 5'-TACAGGGGTGAGTGAAAGTTATTTCCAATAGATCCTTAAATTAAAGGGTTTACCTGTAAC[A>T]TCTATCCGTGAGTGGTGTAATAACCAGCCTAGGGGAATTACCCAGATATTCATATCCATA-3'
Protein context (NP_061720.2, residues 1300-1320): RLVITPLTDR[Cys1310Ser]YRTLFGALHL